The following is an entry in ClinVar:

NM_001042492.3(NF1):c.7082T>C (p.Met2361Thr)

Gene: NF1 (neurofibromin 1; plus strand). Cytogenetic location: 17q11.2.
Variant type: single nucleotide variant.
Coding change: c.7082T>C on transcript NM_001042492.3 (MANE Select); coding-DNA position 7082, T replaced by C.
Protein change: p.Met2361Thr; replaces methionine 2361 with threonine.
Molecular consequence: missense variant.
Genome position (GRCh38, 1-based): chr17:31,343,028, T>C. VCF-style: chr17-31343028-T-C. GRCh37 (hg19) VCF-style: chr17-29670046-T-C.
Other names: c.7019T>C, p.Met2340Thr (NM_000267.4); short protein forms M2340T, M2361T.
Identifiers: ClinVar variation 2777447 (VCV002777447.4), dbSNP rs2508779508, ClinGen allele CA399015543.

ClinVar aggregate classification (germline): Uncertain significance. Review status: criteria provided, multiple submitters, no conflicts (2 of 4 stars). 2 submissions from 2 submitters: Uncertain significance (2). Last evaluated 2025-09-22.

Conditions:
NF1-related disorder. Also called: NF1-related condition. Identifiers: MedGen CN379171.
Neurofibromatosis, type 1 (NF1). Also called: VON RECKLINGHAUSEN DISEASE; NEUROFIBROMATOSIS, TYPE I, SOMATIC; Neurofibromatosis, type I; Peripheral type neurofibromatosis. Identifiers: Orphanet 636, MedGen C0027831, MONDO:0018975, OMIM 162200. Disease mechanism: loss of function.

Submissions (2):

PreventionGenetics, part of Exact Sciences
Classification: Uncertain significance for NF1-related condition. Last evaluated: 2025-09-22. Review status: criteria provided, single submitter. Criteria: ACMG Guidelines, 2015. Collection method: clinical testing. Allele origin: germline.
Comment: The NF1 c.7019T>C variant is predicted to result in the amino acid substitution p.Met2340Thr. To our knowledge, this variant has not been reported in the literature or in a large population database (gnomAD), indicating this variant is rare. At this time, the clinical significance of this variant is uncertain due to the absence of conclusive functional and genetic evidence.

Labcorp Genetics (formerly Invitae), Labcorp
Classification: Uncertain significance for Neurofibromatosis, type 1. Last evaluated: 2024-08-22. Review status: criteria provided, single submitter. Criteria: Invitae Variant Classification Sherloc (09022015). Collection method: clinical testing. Allele origin: germline.
Comment: This sequence change replaces methionine, which is neutral and non-polar, with threonine, which is neutral and polar, at codon 2340 of the NF1 protein (p.Met2340Thr). This variant is not present in population databases (gnomAD no frequency). This variant has not been reported in the literature in individuals affected with NF1-related conditions. Invitae Evidence Modeling of protein sequence and biophysical properties (such as structural, functional, and spatial information, amino acid conservation, physicochemical variation, residue mobility, and thermodynamic stability) has been performed for this missense variant. However, the output from this modeling did not meet the statistical confidence thresholds required to predict the impact of this variant on NF1 protein function. In summary, the available evidence is currently insufficient to determine the role of this variant in disease. Therefore, it has been classified as a Variant of Uncertain Significance.